The following is an entry in ClinVar:

NM_003718.5(CDK13):c.401C>T (p.Ala134Val)

Genes: CDK13 (cyclin dependent kinase 13; plus strand), LOC129998292 (ATAC-STARR-seq lymphoblastoid silent region 18115; plus strand). Cytogenetic location: 7p14.1.
Variant type: single nucleotide variant.
Coding change: c.401C>T on transcript NM_003718.5 (MANE Select); coding-DNA position 401, C replaced by T.
Protein change: p.Ala134Val; replaces alanine 134 with valine.
Molecular consequence: missense variant.
Genome position (GRCh38, 1-based): chr7:39,951,042, C>T. VCF-style: chr7-39951042-C-T. GRCh37 (hg19) VCF-style: chr7-39990641-C-T.
Other names: c.401C>T, p.Ala134Val (NM_031267.4); short protein forms A134V.
Identifiers: ClinVar variation 3141489 (VCV003141489.4), dbSNP rs920813876, ClinGen allele CA157707152.

ClinVar aggregate classification (germline): Uncertain significance. Review status: criteria provided, multiple submitters, no conflicts (2 of 4 stars). 2 submissions from 2 submitters: Uncertain significance (2). Last evaluated 2026-05-14.

Conditions:
Inborn genetic diseases. Identifiers: MedGen C0950123, MeSH D030342.

gnomAD v4.1: 15 of 1,288,538 alleles (0.0012%); highest among the groups gnomAD compares: African/African-American, 0.012%; no homozygotes.

Submissions (2):

Ambry Genetics
Classification: Uncertain significance for Inborn genetic diseases. Last evaluated: 2026-05-14. Review status: criteria provided, single submitter. Criteria: Ambry Variant Classification Scheme 2023. Collection method: clinical testing. Allele origin: germline.

Labcorp Genetics (formerly Invitae), Labcorp
Classification: Uncertain significance. Last evaluated: 2024-08-08. Review status: criteria provided, single submitter. Criteria: Invitae Variant Classification Sherloc (09022015). Collection method: clinical testing. Allele origin: germline.
Comment: This sequence change replaces alanine, which is neutral and non-polar, with valine, which is neutral and non-polar, at codon 134 of the CDK13 protein (p.Ala134Val). This variant is not present in population databases (gnomAD no frequency). This variant has not been reported in the literature in individuals affected with CDK13-related conditions. Advanced modeling of protein sequence and biophysical properties (such as structural, functional, and spatial information, amino acid conservation, physicochemical variation, residue mobility, and thermodynamic stability) performed at Invitae indicates that this missense variant is not expected to disrupt CDK13 protein function with a negative predictive value of 95%. In summary, the available evidence is currently insufficient to determine the role of this variant in disease. Therefore, it has been classified as a Variant of Uncertain Significance.